The following is an entry in ClinVar:

NM_002693.3(POLG):c.3611C>G (p.Thr1204Ser)

Gene: POLG (DNA polymerase gamma, catalytic subunit; minus strand). Cytogenetic location: 15q26.1.
Variant type: single nucleotide variant.
Coding change: c.3611C>G on transcript NM_002693.3 (MANE Select); coding-DNA position 3611, C replaced by G.
Protein change: p.Thr1204Ser; replaces threonine 1204 with serine.
Molecular consequence: missense variant.
Genome position (GRCh38, 1-based): chr15:89,317,408, G>C on the plus strand (C>G on the coding strand, the complement: POLG is on the minus strand). VCF-style: chr15-89317408-G-C. GRCh37 (hg19) VCF-style: chr15-89860639-G-C.
Other names: c.3611C>G, p.Thr1204Ser (NM_001126131.2); short protein forms T1204S.
Identifiers: ClinVar variation 940281 (VCV000940281.10), dbSNP rs1242973021, ClinGen allele CA393747311.

ClinVar aggregate classification (germline): Uncertain significance (1 of 4 stars; one submission).

Conditions:
Progressive sclerosing poliodystrophy (MTDPS4A). Also called: NEURONAL DEGENERATION OF CHILDHOOD WITH LIVER DISEASE, PROGRESSIVE; ALPERS PROGRESSIVE INFANTILE POLIODYSTROPHY; Mitochondrial DNA Depletion Syndrome 4A; Alpers-Huttenlocher Syndrome (AHS); Alpers Syndrome; ALPERS DIFFUSE DEGENERATION OF CEREBRAL GRAY MATTER WITH HEPATIC CIRRHOSIS. Identifiers: Orphanet 726, MedGen C0205710, MONDO:0008758, OMIM 203700.

Allele frequency attached by ClinVar (database versions not stated): gnomAD exomes below 0.00001.
gnomAD v4.1: 1 of 1,613,836 alleles (0.000062%); highest among the groups gnomAD compares: South Asian, 0.0011%; no homozygotes.

Submission:

Labcorp Genetics (formerly Invitae), Labcorp
Classification: Uncertain significance for Progressive sclerosing poliodystrophy. Last evaluated: 2019-06-04. Review status: criteria provided, single submitter. Criteria: Invitae Variant Classification Sherloc (09022015). Collection method: clinical testing. Allele origin: germline.
Comment: This variant is not present in population databases (ExAC no frequency). This sequence change replaces threonine with serine at codon 1204 of the POLG protein (p.Thr1204Ser). The threonine residue is highly conserved and there is a small physicochemical difference between threonine and serine. This variant has not been reported in the literature in individuals with POLG-related conditions. In summary, the available evidence is currently insufficient to determine the role of this variant in disease. Therefore, it has been classified as a Variant of Uncertain Significance. Algorithms developed to predict the effect of sequence changes on RNA splicing suggest that this variant may create or strengthen a splice site, but this prediction has not been confirmed by published transcriptional studies. Algorithms developed to predict the effect of missense changes on protein structure and function (SIFT, PolyPhen-2, Align-GVGD) all suggest that this variant is likely to be tolerated, but these predictions have not been confirmed by published functional studies and their clinical significance is uncertain.